The following is an entry in ClinVar:

NM_006939.4(SOS2):c.3665G>A (p.Arg1222Gln)

Gene: SOS2 (SOS Ras/Rho guanine nucleotide exchange factor 2; minus strand). Cytogenetic location: 14q21.3.
Variant type: single nucleotide variant.
Coding change: c.3665G>A on transcript NM_006939.4 (MANE Select); coding-DNA position 3665, G replaced by A.
Protein change: p.Arg1222Gln; replaces arginine 1222 with glutamine.
Molecular consequence: missense variant.
Genome position (GRCh38, 1-based): chr14:50,118,678, C>T on the plus strand (G>A on the coding strand, the complement: SOS2 is on the minus strand). VCF-style: chr14-50118678-C-T. GRCh37 (hg19) VCF-style: chr14-50585396-C-T.
Other names: c.3566G>A, p.Arg1189Gln (NM_001411020.1); short protein forms R1189Q, R1222Q.
Identifiers: ClinVar variation 1733719 (VCV001733719.4), dbSNP rs1202582363, ClinGen allele CA389638344.
Genomic context (GRCh38, chr14:50,118,678, plus strand): 5'-AGATGCCCCAGTGGAGGTGGCTGAAGATTAAATGGACAGTTTATAAAGTGTTCTGGAGGC[C>T]GAAGGGGAACTGGTGGAGGGGTATCAGGAAGAGGATCTCTTGGTGGTGGCGGAGGTGGAC-3'
Protein context (NP_008870.2, residues 1212-1232): LPDTPPPVPL[Arg1222Gln]PPEHFINCPF

ClinVar aggregate classification (germline): Conflicting classifications of pathogenicity. Review status: criteria provided, conflicting classifications (1 of 4 stars). 2 submissions from 2 submitters: Uncertain significance (1); Likely benign (1). Last evaluated 2025-08-13.

Conditions:
Cardiovascular phenotype. Identifiers: MedGen CN230736.
Noonan syndrome 9 (NS9). Identifiers: Orphanet 648, MedGen C4225282, MONDO:0014691, OMIM 616559.

Allele frequency attached by ClinVar (database versions not stated): TOPMed below 0.00001.
gnomAD v4.1: 15 of 1,612,216 alleles (0.00093%); highest among the groups gnomAD compares: East Asian, 0.0022%; no homozygotes.

Submissions (2):

Labcorp Genetics (formerly Invitae), Labcorp
Classification: Likely benign for Noonan syndrome 9. Last evaluated: 2025-08-13. Review status: criteria provided, single submitter. Criteria: Invitae Variant Classification Sherloc (09022015). Collection method: clinical testing. Allele origin: germline.

Ambry Genetics
Classification: Uncertain significance for Cardiovascular phenotype. Last evaluated: 2022-06-27. Review status: criteria provided, single submitter. Criteria: Ambry Variant Classification Scheme 2023. Collection method: clinical testing. Allele origin: germline.
Comment: The p.R1222Q variant (also known as c.3665G>A), located in coding exon 23 of the SOS2 gene, results from a G to A substitution at nucleotide position 3665. The arginine at codon 1222 is replaced by glutamine, an amino acid with highly similar properties. This amino acid position is conserved. In addition, the in silico prediction for this alteration is inconclusive. Since supporting evidence is limited at this time, the clinical significance of this alteration remains unclear.